The following is an entry in ClinVar:

NM_020693.4(DSCAML1):c.2072G>A (p.Arg691Gln)

Gene: DSCAML1 (DS cell adhesion molecule like 1; minus strand). Cytogenetic location: 11q23.3.
Variant type: single nucleotide variant.
Coding change: c.2072G>A on transcript NM_020693.4 (MANE Select); coding-DNA position 2072, G replaced by A.
Protein change: p.Arg691Gln; replaces arginine 691 with glutamine.
Molecular consequence: missense variant.
Genome position (GRCh38, 1-based): chr11:117,505,034, C>T on the plus strand (G>A on the coding strand, the complement: DSCAML1 is on the minus strand). VCF-style: chr11-117505034-C-T. GRCh37 (hg19) VCF-style: chr11-117375749-C-T.
Other names: c.2072G>A, p.Arg691Gln (NM_001367904.1); short protein forms R691Q.
Identifiers: ClinVar variation 3627451 (VCV003627451.2).

ClinVar aggregate classification (germline): Uncertain significance (1 of 4 stars; one submission).

gnomAD v4.1: 21 of 1,611,388 alleles (0.0013%); highest among the groups gnomAD compares: African/African-American, 0.0053%; no homozygotes.

Submission:

Labcorp Genetics (formerly Invitae), Labcorp
Classification: Uncertain significance. Last evaluated: 2024-04-25. Review status: criteria provided, single submitter. Criteria: Invitae Variant Classification Sherloc (09022015). Collection method: clinical testing. Allele origin: germline.
Comment: This sequence change replaces arginine, which is basic and polar, with glutamine, which is neutral and polar, at codon 751 of the DSCAML1 protein (p.Arg751Gln). This variant is present in population databases (rs768520860, gnomAD 0.004%). This variant has not been reported in the literature in individuals affected with DSCAML1-related conditions. An algorithm developed to predict the effect of missense changes on protein structure and function (PolyPhen-2) suggests that this variant is likely to be tolerated. In summary, the available evidence is currently insufficient to determine the role of this variant in disease. Therefore, it has been classified as a Variant of Uncertain Significance.